The following is an entry in ClinVar:

NM_015040.4(PIKFYVE):c.1849A>G (p.Met617Val)

Gene: PIKFYVE (phosphoinositide kinase, FYVE-type zinc finger containing; plus strand). Cytogenetic location: 2q34.
Variant type: single nucleotide variant.
Coding change: c.1849A>G on transcript NM_015040.4 (MANE Select); coding-DNA position 1849, A replaced by G.
Protein change: p.Met617Val; replaces methionine 617 with valine.
Molecular consequence: missense variant.
Genome position (GRCh38, 1-based): chr2:208,315,215, A>G. VCF-style: chr2-208315215-A-G. GRCh37 (hg19) VCF-style: chr2-209179939-A-G.
Other names: short protein forms M617V.
Identifiers: ClinVar variation 333893 (VCV000333893.10), dbSNP rs16840913, ClinGen allele CA2079668.
Genomic context (GRCh38, chr2:208,315,215, plus strand): 5'-TTAACTATGCAAACTTCTTTCTTATAATATTTTTGTAGTTCAGCTAATCATAACCACATG[A>G]TGGCACTACTCCAGCAGTTGCTCCATAGTGACTCACTGTCATCATCTTGGAGGGACATCA-3'
Protein context (NP_055855.2, residues 607-627): RLLSANHNHM[Met617Val]ALLQQLLHSD

ClinVar aggregate classification (germline): Benign. Review status: criteria provided, multiple submitters, no conflicts (2 of 4 stars). 3 submissions from 3 submitters: Benign (3). Last evaluated 2026-01-25.

Conditions:
Fleck corneal dystrophy (CFD). Also called: CORNEAL DYSTROPHY, FRANCOIS-NEETENS SPECKLED OR FLECKED. Identifiers: Orphanet 98970, MedGen C1562113, MONDO:0007376, OMIM 121850.

Allele frequency attached by ClinVar (database versions not stated): gnomAD exomes 0.02399 and 0.02707; ExAC 0.02479; 1000 Genomes Project 0.02815; 1000 Genomes Project 30x 0.02920; gnomAD 0.03302 and 0.03433; TOPMed 0.03377; ESP Exome Variant Server 0.03644.
gnomAD v4.1: 44,684 of 1,613,834 alleles (2.8%); highest among the groups gnomAD compares: African/African-American, 5.5%; 731 homozygotes.

Submissions (3):

Labcorp Genetics (formerly Invitae), Labcorp
Classification: Benign. Last evaluated: 2026-01-25. Review status: criteria provided, single submitter. Criteria: Invitae Variant Classification Sherloc (09022015). Collection method: clinical testing. Allele origin: germline.

Illumina Laboratory Services, Illumina
Classification: Benign for Fleck corneal dystrophy. Last evaluated: 2018-01-13. Review status: criteria provided, single submitter. Criteria: ICSL Variant Classification Criteria 13 December 2019. Collection method: clinical testing. Allele origin: germline.
Comment: This variant was observed in the ICSL laboratory as part of a predisposition screen in an ostensibly healthy population. It had not been previously curated by ICSL or reported in the Human Gene Mutation Database (HGMD: prior to June 1st, 2018), and was therefore a candidate for classification through an automated scoring system. Utilizing variant allele frequency, disease prevalence and penetrance estimates, and inheritance mode, an automated score was calculated to assess if this variant is too frequent to cause the disease. Based on the score and internal cut-off values, a variant classified as benign is not then subjected to further curation. The score for this variant resulted in a classification of benign for this disease.

Breakthrough Genomics
Classification: Benign. Review status: criteria provided, single submitter. Criteria: ACMG Guidelines, 2015. Collection method: not provided. Allele origin: germline. Inheritance: Autosomal dominant inheritance. Affected: yes.